The following is an entry in ClinVar:

NM_001130009.3(GEN1):c.799C>T (p.Pro267Ser)

Gene: GEN1 (GEN1 Holliday junction 5' flap endonuclease; plus strand). Cytogenetic location: 2p24.2.
Variant type: single nucleotide variant.
Coding change: c.799C>T on transcript NM_001130009.3 (MANE Select); coding-DNA position 799, C replaced by T.
Protein change: p.Pro267Ser; replaces proline 267 with serine.
Molecular consequence: missense variant.
Genome position (GRCh38, 1-based): chr2:17,771,284, C>T. VCF-style: chr2-17771284-C-T. GRCh37 (hg19) VCF-style: chr2-17952551-C-T.
Other names: c.799C>T, p.Pro267Ser (NM_182625.5); short protein forms P267S.
Identifiers: ClinVar variation 4263082 (VCV004263082.1).

ClinVar aggregate classification (germline): Uncertain significance (1 of 4 stars; one submission).

Submission:

Ambry Genetics
Classification: Uncertain significance. Last evaluated: 2025-08-19. Review status: criteria provided, single submitter. Criteria: Ambry Variant Classification Scheme 2023. Collection method: clinical testing. Allele origin: germline.
Comment: The p.P267S variant (also known as c.799C>T), located in coding exon 6 of the GEN1 gene, results from a C to T substitution at nucleotide position 799. The proline at codon 267 is replaced by serine, an amino acid with similar properties. This amino acid position is conserved. In addition, this alteration is predicted to be tolerated by in silico analysis. Based on the available evidence, the clinical significance of this variant remains unclear.